The following is an entry in ClinVar:

NM_000128.4(F11):c.401_402delinsT (p.Gln134fs)

Gene: F11 (coagulation factor XI; plus strand). Cytogenetic location: 4q35.2.
Variant type: Indel.
Coding change: c.401_402delinsT on transcript NM_000128.4 (MANE Select); coding-DNA positions 401 to 402, AA replaced by T.
Protein change: p.Gln134fs; shifts the reading frame from glutamine 134.
Molecular consequence: frameshift variant.
Genome position (GRCh38, 1-based): chr4:186,274,191-186,274,192, AA replaced by T. VCF-style: chr4-186274191-AA-T. GRCh37 (hg19) VCF-style: chr4-187195345-AA-T.
Other names: c.401_402delinsT, p.Gln134fs (NM_001354804.2, NM_001440590.1, NM_001440593.1 and 5 more transcripts); short protein forms Q134fs.
Identifiers: ClinVar variation 5010762 (VCV005010762.1).

ClinVar aggregate classification (germline): Pathogenic (1 of 4 stars; one submission).

Conditions:
Hereditary factor XI deficiency disease. Also called: PLASMA THROMBOPLASTIN ANTECEDENT DEFICIENCY; PTA DEFICIENCY; ROSENTHAL SYNDROME; Congenital factor XI deficiency. Identifiers: Orphanet 329, MedGen C0015523, MeSH D005173, MONDO:0012897, OMIM 612416.

Submission:

Myriad Genetics, Inc.
Classification: Pathogenic for Hereditary factor XI deficiency disease. Last evaluated: 2024-05-14. Review status: criteria provided, single submitter. Criteria: Myriad Autosomal Dominant, Autosomal Recessive and X-Linked Classification Criteria (2023). Collection method: clinical testing. Allele origin: unknown.
Comment: NM_000128.3(F11):c.401_402delAAinsT(Q134Lfs*34) is expected to be pathogenic in the context of factor XI deficiency. This variant is predicted to lead to an abnormal or absent protein product due to the creation of a premature termination codon in F11, a gene where loss-of-function variants are known to be pathogenic. Please note: this variant was assessed in the context of healthy population screening.